The following is an entry in ClinVar:

NM_006005.3(WFS1):c.1672C>T (p.Arg558Cys)

Gene: WFS1 (wolframin ER transmembrane glycoprotein; plus strand). Cytogenetic location: 4p16.1.
Variant type: single nucleotide variant.
Coding change: c.1672C>T on transcript NM_006005.3 (MANE Select); coding-DNA position 1672, C replaced by T.
Protein change: p.Arg558Cys; replaces arginine 558 with cysteine.
Molecular consequence: missense variant.
Genome position (GRCh38, 1-based): chr4:6,301,467, C>T. VCF-style: chr4-6301467-C-T. GRCh37 (hg19) VCF-style: chr4-6303194-C-T.
Other names: c.1672C>T, p.Arg558Cys (NM_001145853.1); short protein forms R558C.
Identifiers: ClinVar variation 198835 (VCV000198835.49), dbSNP rs199946797, ClinGen allele CA275434.
Genomic context (GRCh38, chr4:6,301,467, plus strand): 5'-TTCATGTGGTGTGAGCTCTCCGTGGTCATCCTGCTGGAGTCCACCGGCCTGGGGCTGCTC[C>T]GCGCCTCCATCGGCTACTTCCTCTTCCTCTTTGCCCTCCCCATCCTGGTGGCCGGCCTGG-3'
Protein context (NP_005996.2, residues 548-568): LLESTGLGLL[Arg558Cys]ASIGYFLFLF

ClinVar aggregate classification (germline): Pathogenic/Likely pathogenic. Review status: criteria provided, multiple submitters, no conflicts (2 of 4 stars). 23 submissions from 21 submitters: Pathogenic (8); Likely pathogenic (11). 4 of the submissions do not count toward it. Last evaluated 2026-08-17.

Conditions:
Autosomal dominant and autosomal recessive WFS1-related disorders.
WFS1-related disorder. Identifiers: MedGen CN379391, MONDO:0700293.
Monogenic hearing loss.
WFS1-Related Spectrum Disorders.
Diabetes mellitus. Also called: Diabetes mellitus (disease). Identifiers: MedGen C0011849, MONDO:0005015, HP:0000819.
Retinal dystrophy. Also called: Inherited retinal dystrophy. Identifiers: Orphanet 71862, MedGen C0854723, MeSH D058499, MONDO:0019118, HP:0000556.
Cataract 41 (CTRCT41). Also called: CATARACT 41, CONGENITAL NUCLEAR TYPE. Identifiers: Orphanet 91492, Orphanet 98991, Orphanet 98992, Orphanet 98995, MedGen C3805412, MONDO:0007287, OMIM 116400.
Autosomal dominant nonsyndromic hearing loss 6 (LFSNHL). Also called: Autosomal dominant nonsyndromic deafness 6; DEAFNESS, AUTOSOMAL DOMINANT 6; DEAFNESS, AUTOSOMAL DOMINANT 14; DEAFNESS, AUTOSOMAL DOMINANT 38. Identifiers: Orphanet 90635, MedGen C1833021, MONDO:0010963, OMIM 600965.
Type 2 diabetes mellitus. Also called: Type II diabetes mellitus. Identifiers: MedGen C0011860, MeSH D003924, MONDO:0005148, OMIM 125853, HP:0005978.
Wolfram-like syndrome. Also called: HEARING LOSS, PROGRESSIVE, WITH OPTIC ATROPHY AND/OR IMPAIRED GLUCOSE REGULATION. Identifiers: Orphanet 411590, MedGen C3280358, MONDO:0013673, OMIM 614296.
Wolfram syndrome 1 (WFS1). Identifiers: Orphanet 3463, MedGen C4551693, MONDO:0009101, OMIM 222300.
Optic atrophy. Identifiers: MedGen C0029124, MONDO:0003608, HP:0000648.
Wolfram syndrome. Also called: DIDMOAD (Diabetes Insipidus, Diabetes Mellitus, Optic Atrophy, and Deafness); Diabetes mellitus AND insipidus with optic atrophy AND deafness. Identifiers: Orphanet 3463, MedGen C0043207, MONDO:0018105.

Allele frequency attached by ClinVar (database versions not stated): gnomAD 0.00033 and 0.00035; gnomAD exomes 0.00033 and 0.00067; ESP Exome Variant Server 0.00038; TOPMed 0.00043.
gnomAD v4.1: 562 of 1,612,648 alleles (0.035%); highest among the groups gnomAD compares: African/African-American, 0.013%; 4 homozygotes.

Submissions 1 to 7 of 23:

PreventionGenetics, part of Exact Sciences
Classification: Likely pathogenic for WFS1-related condition. Last evaluated: 2026-08-17. Review status: criteria provided, single submitter. Criteria: ACMG Guidelines, 2015. Collection method: clinical testing. Allele origin: germline.
Comment: The WFS1 c.1672C>T variant is predicted to result in the amino acid substitution p.Arg558Cys. This variant has been reported in the compound heterozygous and homozygous states in individuals with features of Wolfram syndrome (Cano et al. 2007. PubMed ID: 17568405; Lieber et al 2012. PubMed ID: 22226368; Ustaoglu et al 2019. PubMed ID: 30957632). This variant has also been reported, with uncertain significance, in an individual with sporadic ataxia (Fogel et al 2014. PubMed ID: 25133958) and in an individual with schizophrenia (Torres et al 2001. PubMed ID: 11244483). This variant is reported in 1.3% of alleles in individuals of Ashkenazi Jewish descent in gnomAD, including one homozygote. This variant has been reported in the homozygous state to significantly increase risk for type 1 diabetes in a cohort of Ashkenazi Jewish patients, although age at diabetes diagnosis was later than usual and other features of Wolfram syndrome were absent in most patients, suggesting this variant has a mild effect compared to other Wolfram syndrome causative variants (Bansal et al. 2018. PubMed ID: 30014265). This variant is interpreted as likely pathogenic.

Metabolic Disorders Research Center, Endocrinology and Metabolism Molecular-Cellular Sciences, Tehran University of Medical Sciences
Classification: Likely pathogenic for Wolfram syndrome 1. Last evaluated: 2026-07-17. Review status: criteria provided, single submitter. Criteria: ACMG Guidelines, 2015. Collection method: clinical testing. Allele origin: germline. Inheritance: Autosomal recessive inheritance. Affected: yes. Observed: 1 variant allele.
Comment: Evidence codes: PM2, PM5, PP3, PM1

Labcorp Genetics (formerly Invitae), Labcorp
Classification: Pathogenic. Last evaluated: 2026-02-01. Review status: criteria provided, single submitter. Criteria: Invitae Variant Classification Sherloc (09022015). Collection method: clinical testing. Allele origin: germline.
Comment: This sequence change replaces arginine, which is basic and polar, with cysteine, which is neutral and slightly polar, at codon 558 of the WFS1 protein (p.Arg558Cys). This variant is present in population databases (rs199946797, gnomAD 1.4%), including at least one homozygous and/or hemizygous individual. This missense change has been observed in individual(s) with clinical features of autosomal recessive Wolfram syndrome (PMID: 17568405, 21446023, 23596069, 27395765, 28432734, 29207974, 30014265, 30957632, 33763535, 34404380). It is commonly reported in individuals of Ashkenazi Jewish ancestry (PMID: 30014265). This variant might be associated with later onset or milder phenotypes. ClinVar contains an entry for this variant (Variation ID: 198835). Invitae Evidence Modeling of protein sequence and biophysical properties (such as structural, functional, and spatial information, amino acid conservation, physicochemical variation, residue mobility, and thermodynamic stability) has been performed for this missense variant. However, the output from this modeling did not meet the statistical confidence thresholds required to predict the impact of this variant on WFS1 protein function. This variant disrupts the p.Arg558 amino acid residue in WFS1. Other variant(s) that disrupt this residue have been determined to be pathogenic (PMID: 15277431, 31567480). This suggests that this residue is clinically significant, and that variants that disrupt this residue are likely to be disease-causing. For these reasons, this variant has been classified as Pathogenic.

Victorian Clinical Genetics Services, Murdoch Childrens Research Institute
Classification: Pathogenic for Wolfram syndrome 1. Last evaluated: 2025-08-26. Review status: criteria provided, single submitter. Criteria: ACMG Guidelines, 2015. Collection method: clinical testing. Allele origin: germline. Affected: yes.
Comment: This variant is classified as Pathogenic. Evidence in support of pathogenic classification: Variant is present in gnomAD <0.01 (v4: 554 heterozygote(s), 4 homozygote(s)); This variant has strong previous evidence of pathogenicity in unrelated individuals. This variant has been classified as likely pathogenic/pathogenic by multiple clinical laboratories in ClinVar. Additionally, it has been reported in the literature in both a heterozygous state in an individual presenting only with diabetes, and a compound heterozygous state in an individual with diabetes and optic atrophy (PMID: 36098976, 35018440); Another missense variant(s) comparable to the one identified in this case has moderate previous evidence for pathogenicity. p.(Arg558His) has been classified as likely pathogenic/pathogenic by multiple clinical laboratories in ClinVar; Missense variant predicted to be damaging by in silico tool(s) or highly conserved with a major amino acid change. Additional information: Variant is predicted to result in a missense amino acid change from Arg to Cys; This variant is heterozygous; This gene is associated with both recessive and dominant disease. Both deafness 6/14/38 (MIM#600965) and Wolfram-like syndrome (MIM#614296) are inherited in an autosomal dominant manner, while Wolfram syndrome 1 (MIM#222300) is autosomal recessive. A clear genotype-phenotype correlation is currently unestablished; Alternative amino acid change(s) at the same position are present in gnomAD (Highest allele count: v4: 124 heterozygote(s), 0 homozygote(s)); Variant is not located in an established domain, motif, hotspot or informative constraint region; Loss of function is a known mechanism of disease in this gene and is associated with autosomal recessive Wolfram syndrome (MIM#222300). Dominant-negative is suggested for heterozygous missense variants causing autosomal dominant Wolfram-like syndrome (MIM#614296) (PMID: 32219690); Inheritance information for this variant is not currently available in this individual.

Genetics Laboratory, Great Ormond Street Hospital NHS Foundation Trust, North Thames Genomic Laboratory Hub
Classification: Pathogenic for Monogenic hearing loss. Last evaluated: 2025-07-28. Review status: criteria provided, single submitter. Criteria: ACGS Best Practice Guidelines for Variant Classification in Rare Disease 2024 v1.2. Collection method: clinical testing. Allele origin: germline. Affected: yes.
Comment: PS4_moderate, PM2_moderate, PP3_supporting, PM5_moderate, PM3_moderate, PP4_supporting

Revvity Omics, Revvity
Classification: Likely pathogenic. Last evaluated: 2025-06-16. Review status: criteria provided, single submitter. Criteria: ACMG Guidelines, 2015. Collection method: clinical testing. Allele origin: germline.

Variantyx, Inc.
Classification: Pathogenic for Autosomal dominant and autosomal recessive WFS1-related disorders. Last evaluated: 2025-03-11. Review status: criteria provided, single submitter. Criteria: Variantyx Assertion Criteria 2022. Collection method: clinical testing. Allele origin: germline.
Comment: This is a nonsynonymous variant in the WFS1 gene (OMIM: 606201). Pathogenic variants in this gene have been associated with autosomal recessive Wolfram syndrome 1. This variant has been reported in the homozygous or compound heterozygous state in many unrelated affected individuals (PMID: 30014265, 30957632, 22226368, 17568405) (PM3_Very_Strong). An alternate amino acid change at this position (p.Arg558His) has been previously reported in affected individuals (PMID: 31567480, 12754709) (PM5). Multiple computational algorithms predict a deleterious effect for this variant (REVEL score: 0.816) (PP3_Moderate). This variant has a 0.0133% maximum allele frequency in non-founder control populations (PM2_Supporting). Based on the current evidence, this variant is classified as pathogenic for autosomal recessive Wolfram syndrome 1. Analysis of sequence and genotype data in two case-control cohorts of Ashkenazi ancestry demonstrated that this variant is associated with an increased risk of type 2 diabetes in the heterozygote state (OR 1.81, p = 0.004) (PMID: 30014265).